The following is an entry in ClinVar:

NM_001131016.2(CIZ1):c.11AGC[7] (p.Gln9dup)

Gene: CIZ1 (CDKN1A interacting zinc finger protein 1; minus strand). Cytogenetic location: 9q34.11.
Variant type: Microsatellite.
Coding change: c.11AGC[7] on transcript NM_001131016.2 (MANE Select); seven copies in a row of the 3-base unit AGC starting at c.11; the reference has six copies in a row; one copy, 3 bases duplicated.
Protein change: p.Gln9dup; duplicates glutamine 9.
Molecular consequence: inframe insertion. On other transcripts: 5 prime UTR variant (1).
Genome position (GRCh38, 1-based): chr9:128,190,830-128,190,832, GCT duplicated on the plus strand (AGC on the coding strand, the reverse complement: CIZ1 is on the minus strand); duplicating any 3 consecutive bases within chr9:128,190,830-128,190,848 gives the same sequence; the position shown is the placement nearest the transcript's 3' end. VCF-style (leftmost placement, unchanged base first): chr9-128190829-A-AGCT. GRCh37 (hg19) VCF-style: chr9-130953108-A-AGCT.
Other names: c.11AGC[7], p.Gln9dup (NM_001131015.2, NM_001131017.2, NM_001131018.2 and 1 more transcripts); c.101AGC[7], p.Gln39dup (NM_001257975.2); c.-177AGC[7] (NM_001257976.2).
Identifiers: ClinVar variation 1503562 (VCV001503562.9), dbSNP rs747501009, ClinGen allele CA5257696.
Genomic context (GRCh38, chr9:128,190,829, plus strand): 5'-AATTGCTGCTGCTGGAGCTGCTGCTGCTGTAACTGCTGGAGCTGCTGCTGCTGTTGCTGG[A>AGCT]GCTGCTGCTGCTGCTGCTGGCTGAACATGGTGGCTAGGGGCAGAAAGCAGAGTGAGGCAA-3'

ClinVar aggregate classification (germline): Conflicting classifications of pathogenicity. Review status: criteria provided, conflicting classifications (1 of 4 stars). 2 submissions from 2 submitters: Uncertain significance (1); Likely benign (1). Last evaluated 2025-02-10.

Conditions:
Dystonic disorder. Also called: Dystonia. Identifiers: MedGen C0013421, MONDO:0003441, HP:0001332.

Submissions (2):

Labcorp Genetics (formerly Invitae), Labcorp
Classification: Uncertain significance for Dystonic disorder. Last evaluated: 2025-02-10. Review status: criteria provided, single submitter. Criteria: Invitae Variant Classification Sherloc (09022015). Collection method: clinical testing. Allele origin: germline.
Comment: This variant, c.26_28dup, results in the insertion of 1 amino acid(s) of the CIZ1 protein (p.Gln9dup), but otherwise preserves the integrity of the reading frame. The frequency data for this variant in the population databases is considered unreliable, as metrics indicate poor data quality at this position in the gnomAD database. This variant has been observed in individual(s) with clinical features of dystonia (internal data). Experimental studies and prediction algorithms are not available or were not evaluated, and the functional significance of this variant is currently unknown. In summary, the available evidence is currently insufficient to determine the role of this variant in disease. Therefore, it has been classified as a Variant of Uncertain Significance.

Blueprint Genetics
Classification: Likely benign. Last evaluated: 2024-11-01. Review status: criteria provided, single submitter. Criteria: ACMG Guidelines, 2015. Collection method: clinical testing. Allele origin: germline.